The following is an entry in ClinVar:

ClinVar aggregate classification (germline): Benign (1 of 4 stars; one submission).

Allele frequency attached by ClinVar (database versions not stated): gnomAD 0.13767 and 0.13857; TOPMed 0.13827; 1000 Genomes Project 0.13878; 1000 Genomes Project 30x 0.13976.
gnomAD v4.1: 20,979 of 152,182 alleles (14%); highest among the groups gnomAD compares: Non-Finnish European, 15%; 1,505 homozygotes.

Submission:

GeneDx
Classification: Benign. Last evaluated: 2018-06-19. Review status: criteria provided, single submitter. Criteria: GeneDx Variant Classification (06012015). Collection method: clinical testing. Allele origin: germline. Affected: yes.
Comment: This variant is considered likely benign or benign based on one or more of the following criteria: it is a conservative change, it occurs at a poorly conserved position in the protein, it is predicted to be benign by multiple in silico algorithms, and/or has population frequency not consistent with disease.

NM_001040142.2(SCN2A):c.2150-205T>G

Gene: SCN2A (sodium voltage-gated channel alpha subunit 2; plus strand). Cytogenetic location: 2q24.3.
Variant type: single nucleotide variant.
Coding change: c.2150-205T>G on transcript NM_001040142.2 (MANE Select); 205 bases into the intron before coding-DNA position 2150, T replaced by G.
Molecular consequence: intron variant.
Genome position (GRCh38, 1-based): chr2:165,331,125, T>G. VCF-style: chr2-165331125-T-G. GRCh37 (hg19) VCF-style: chr2-166187635-T-G.
Other names: c.2150-205T>G (NM_001040143.2, NM_001371246.1, NM_001371247.1 and 1 more transcripts).
Identifiers: ClinVar variation 669322 (VCV000669322.1), dbSNP rs2304017, ClinGen allele CA15177123.